The following is an entry in ClinVar:

ClinVar aggregate classification (germline): Uncertain significance. Review status: criteria provided, multiple submitters, no conflicts (2 of 4 stars). 2 submissions from 2 submitters: Uncertain significance (2). Last evaluated 2024-09-17.

Conditions:
Marfan syndrome (MFS). Also called: MARFAN SYNDROME, TYPE I; Marfan syndrome type 1; Marfan's syndrome; Marfan syndrome, classic; FBN1-Related Marfan Syndrome. Identifiers: Orphanet 284963, Orphanet 558, MedGen C0024796, MONDO:0007947, OMIM 154700.
Familial thoracic aortic aneurysm and aortic dissection (TAAD). Also called: Thoracic aortic aneurysms and dissections. Identifiers: Orphanet 91387, MedGen C4707243, MONDO:0019625.

Submissions (2):

Color Diagnostics, LLC DBA Color Health
Classification: Uncertain significance for Familial thoracic aortic aneurysm and aortic dissection. Last evaluated: 2024-09-17. Review status: criteria provided, single submitter. Criteria: ACMG Guidelines, 2015. Collection method: clinical testing. Allele origin: germline.
Comment: This missense variant replaces serine with asparagine at codon 2813 of the FBN1 protein. Computational prediction is inconclusive regarding the impact of this variant on protein structure and function (internally defined REVEL score threshold 0.5 < inconclusive < 0.7, PMID: 27666373). To our knowledge, functional studies have not been reported for this variant. This variant has not been reported in individuals affected with FBN1-related disorders in the literature. This variant has not been identified in the general population by the Genome Aggregation Database (gnomAD). The available evidence is insufficient to determine the role of this variant in disease conclusively. Therefore, this variant is classified as a Variant of Uncertain Significance.

Labcorp Genetics (formerly Invitae), Labcorp
Classification: Uncertain significance for Marfan syndrome; Familial thoracic aortic aneurysm and aortic dissection. Last evaluated: 2023-01-21. Review status: criteria provided, single submitter. Criteria: Invitae Variant Classification Sherloc (09022015). Collection method: clinical testing. Allele origin: germline.
Comment: This variant has not been reported in the literature in individuals affected with FBN1-related conditions. This variant is not present in population databases (gnomAD no frequency). This sequence change replaces serine, which is neutral and polar, with asparagine, which is neutral and polar, at codon 2813 of the FBN1 protein (p.Ser2813Asn). In summary, the available evidence is currently insufficient to determine the role of this variant in disease. Therefore, it has been classified as a Variant of Uncertain Significance. Advanced modeling of protein sequence and biophysical properties (such as structural, functional, and spatial information, amino acid conservation, physicochemical variation, residue mobility, and thermodynamic stability) performed at Invitae indicates that this missense variant is expected to disrupt FBN1 protein function.

NM_000138.5(FBN1):c.8438G>A (p.Ser2813Asn)

Gene: FBN1 (fibrillin 1; minus strand). Cytogenetic location: 15q21.1.
Variant type: single nucleotide variant.
Coding change: c.8438G>A on transcript NM_000138.5 (MANE Select); coding-DNA position 8438, G replaced by A.
Protein change: p.Ser2813Asn; replaces serine 2813 with asparagine.
Molecular consequence: missense variant.
Genome position (GRCh38, 1-based): chr15:48,411,168, C>T on the plus strand (G>A on the coding strand, the complement: FBN1 is on the minus strand). VCF-style: chr15-48411168-C-T. GRCh37 (hg19) VCF-style: chr15-48703365-C-T.
Other names: c.8438G>A, p.Ser2813Asn (NM_001406716.1); short protein forms S2813N.
Identifiers: ClinVar variation 2930859 (VCV002930859.4), dbSNP rs2505371038, ClinGen allele CA392319061.
Genomic context (GRCh38, chr15:48,411,168, plus strand): 5'-CTACTGATTTGTAATGAATAGGTTCCAGCCACTGGCTTCTTCTTTGTGAAGTGGAGGTAG[C>T]TGATCCCTTCCTTTTGGTTGATTTTAAAGAAGCCATCTTCATTTCCAGATTCGATCAAGT-3'
Protein context (NP_000129.3, residues 2803-2823): FFKINQKEGI[Ser2813Asn]YLHFTKKKPV